The following is an entry in ClinVar:

NM_001267550.2(TTN):c.48313-1G>A

Genes: TTN (titin; minus strand), TTN-AS1 (TTN antisense RNA 1; plus strand). Cytogenetic location: 2q31.2.
Variant type: single nucleotide variant.
Coding change: c.48313-1G>A on transcript NM_001267550.2 (MANE Select); the canonical splice acceptor site of the intron before coding-DNA position 48313, G replaced by A.
Molecular consequence: splice acceptor variant.
Genome position (GRCh38, 1-based): chr2:178,615,789, C>T on the plus strand (G>A on the coding strand, the complement: TTN is on the minus strand). VCF-style: chr2-178615789-C-T. GRCh37 (hg19) VCF-style: chr2-179480516-C-T.
Other names: c.21118-1G>A (NM_003319.4); c.21694-1G>A (NM_133437.4); c.21493-1G>A (NM_133432.3); c.40609-1G>A (NM_133378.4); c.43390-1G>A (NM_001256850.1).
Identifiers: ClinVar variation 1206253 (VCV001206253.7), dbSNP rs2154207046, ClinGen allele CA349611253.

ClinVar aggregate classification (germline): Likely pathogenic. Review status: criteria provided, multiple submitters, no conflicts (2 of 4 stars). 4 submissions from 4 submitters: Likely pathogenic (2). 2 of the submissions do not count toward it. Last evaluated 2026-05-31.

Conditions:
Dilated cardiomyopathy 1G (CMD1G). Identifiers: Orphanet 154, MedGen C1858763, MONDO:0011400, OMIM 604145.
Autosomal recessive limb-girdle muscular dystrophy type 2J (LGMDR10). Also called: Limb-girdle muscular dystrophy, type 2J; MUSCULAR DYSTROPHY, LIMB-GIRDLE, AUTOSOMAL RECESSIVE 10. Identifiers: Orphanet 140922, MedGen C1837342, MONDO:0012127, OMIM 608807.

Submissions (4):

GeneDx
Classification: Likely pathogenic. Last evaluated: 2026-05-31. Review status: criteria provided, single submitter. Criteria: GeneDx Variant Classification Process June 2021. Collection method: clinical testing. Allele origin: germline.
Comment: Reported in a cohort of patients with noncompaction cardiomyopathy (PMID: 29447731); Not observed at significant frequency in large population cohorts (gnomAD); Located in the A-band, a region of TTN for which truncating variants are significantly associated with autosomal dominant cardiomyopathy and also with autosomal recessive skeletal myopathies (PMID: 22335739, 32778822); Canonical splice site variant predicted to result in a null allele in a gene for which loss of function is a known mechanism of disease; This variant is associated with the following publications: (PMID: 22335739, 32778822, 29447731)

Labcorp Genetics (formerly Invitae), Labcorp
Classification: Likely pathogenic for Dilated cardiomyopathy 1G; Autosomal recessive limb-girdle muscular dystrophy type 2J. Last evaluated: 2023-10-28. Review status: criteria provided, single submitter. Criteria: Invitae Variant Classification Sherloc (09022015). Collection method: clinical testing. Allele origin: germline.
Comment: This sequence change affects an acceptor splice site in intron 257 of the TTN gene. It is expected to disrupt RNA splicing and likely results in a truncated or disrupted TTN protein. This variant is not present in population databases (gnomAD no frequency). Disruption of this splice site has been observed in individual(s) with noncompaction cardiomyopathy (NCCM) (PMID: 29447731). ClinVar contains an entry for this variant (Variation ID: 1206253). Algorithms developed to predict the effect of sequence changes on RNA splicing suggest that this variant may disrupt the consensus splice site. This variant is located in the A band of TTN (PMID: 25589632). Truncating variants in this region are significantly overrepresented in patients affected with dilated cardiomyopathy (PMID: 25589632). Truncating variants in this region have also been reported in individuals affected with autosomal recessive centronuclear myopathy (PMID: 23975875). In summary, the currently available evidence indicates that the variant is pathogenic, but additional data are needed to prove that conclusively. Therefore, this variant has been classified as Likely Pathogenic.

Clinical Genetics DNA and cytogenetics Diagnostics Lab, Erasmus MC, Erasmus Medical Center
Classification: Likely pathogenic. Review status: no assertion criteria provided. Collection method: clinical testing. Allele origin: germline. Affected: yes. Study: VKGL Data-share Consensus. Not counted in ClinVar's aggregate classification.

Laboratory of Diagnostic Genome Analysis, Leiden University Medical Center (LUMC)
Classification: Likely pathogenic. Review status: no assertion criteria provided. Collection method: clinical testing. Allele origin: germline. Affected: yes. Study: VKGL Data-share Consensus. Not counted in ClinVar's aggregate classification.

Literature cited by the submitters: PubMed 29447731 (cited by Labcorp Genetics (formerly Invitae), Labcorp); PubMed 25589632 (cited by Labcorp Genetics (formerly Invitae), Labcorp); PubMed 23975875 (cited by Labcorp Genetics (formerly Invitae), Labcorp).